The following is an entry in ClinVar:

NM_000254.3(MTR):c.*5756C>A

Gene: MTR (5-methyltetrahydrofolate-homocysteine methyltransferase; plus strand). Cytogenetic location: 1q43.
Variant type: single nucleotide variant.
Coding change: c.*5756C>A on transcript NM_000254.3 (MANE Select); 5756 bases downstream of the stop codon, C replaced by A.
Molecular consequence: 3 prime UTR variant.
Genome position (GRCh38, 1-based): chr1:236,903,400, C>A. VCF-style: chr1-236903400-C-A. GRCh37 (hg19) VCF-style: chr1-237066700-C-A.
Other names: c.*5756C>A (NM_001291939.1, NM_001291940.2).
Identifiers: ClinVar variation 875867 (VCV000875867.4), dbSNP rs16834543, ClinGen allele CA39769071.

ClinVar aggregate classification (germline): Benign (1 of 4 stars; one submission).

Conditions:
Disorders of Intracellular Cobalamin Metabolism. Identifiers: MedGen CN043592.

Allele frequency attached by ClinVar (database versions not stated): 1000 Genomes Project 0.00499; TOPMed 0.00506; 1000 Genomes Project 30x 0.00547.

Submission:

Illumina Laboratory Services, Illumina
Classification: Benign for Disorders of Intracellular Cobalamin Metabolism. Last evaluated: 2018-01-13. Review status: criteria provided, single submitter. Criteria: ICSL Variant Classification Criteria 13 December 2019. Collection method: clinical testing. Allele origin: germline.
Comment: This variant was observed in the ICSL laboratory as part of a predisposition screen in an ostensibly healthy population. It had not been previously curated by ICSL or reported in the Human Gene Mutation Database (HGMD: prior to June 1st, 2018), and was therefore a candidate for classification through an automated scoring system. Utilizing variant allele frequency, disease prevalence and penetrance estimates, and inheritance mode, an automated score was calculated to assess if this variant is too frequent to cause the disease. Based on the score and internal cut-off values, a variant classified as benign is not then subjected to further curation. The score for this variant resulted in a classification of benign for this disease.